The following is an entry in ClinVar:

ClinVar aggregate classification (germline): Benign/Likely benign. Review status: criteria provided, multiple submitters, no conflicts (2 of 4 stars). 5 submissions from 5 submitters: Benign (1); Likely benign (3). 1 of the submissions does not count toward it. Last evaluated 2025-12-15.

Conditions:
ASPM-related disorder. Also called: ASPM-related condition.
Microcephaly 5, primary, autosomal recessive (MCPH5). Also called: ASPM Primary Microcephaly. Identifiers: Orphanet 2512, MedGen C1837501, MONDO:0012106, OMIM 608716.

Allele frequency attached by ClinVar (database versions not stated): gnomAD 0.00014 and 0.00023; gnomAD exomes 0.00028 and 0.00059; TOPMed 0.00030; 1000 Genomes Project 30x 0.00062; ExAC 0.00071; 1000 Genomes Project 0.00080.
gnomAD v4.1: 430 of 1,612,938 alleles (0.027%); highest among the groups gnomAD compares: South Asian, 0.43%; 3 homozygotes.

Submissions (5):

Labcorp Genetics (formerly Invitae), Labcorp
Classification: Benign. Last evaluated: 2025-12-15. Review status: criteria provided, single submitter. Criteria: Invitae Variant Classification Sherloc (09022015). Collection method: clinical testing. Allele origin: germline.

Genome-Nilou Lab
Classification: Likely benign for Microcephaly 5, primary, autosomal recessive. Last evaluated: 2023-04-11. Review status: criteria provided, single submitter. Criteria: ACMG Guidelines, 2015. Collection method: clinical testing. Allele origin: germline. Affected: no.

GeneDx
Classification: Likely benign. Last evaluated: 2021-05-19. Review status: criteria provided, single submitter. Criteria: GeneDx Variant Classification Process June 2021. Collection method: clinical testing. Allele origin: germline. Affected: yes.
Comment: This variant is associated with the following publications: (PMID: 28004384, 22775483)

Eurofins Ntd Llc (ga)
Classification: Likely benign. Last evaluated: 2018-01-10. Review status: criteria provided, single submitter. Criteria: EGL Classification Definitions 2015. Collection method: clinical testing. Allele origin: germline. Observed: 1 variant allele, 1 heterozygote.

PreventionGenetics, part of Exact Sciences
Classification: Likely benign for ASPM-related condition. Last evaluated: 2020-10-27. Review status: no assertion criteria provided. Collection method: clinical testing. Allele origin: germline. Not counted in ClinVar's aggregate classification.
Comment: This variant is classified as likely benign based on ACMG/AMP sequence variant interpretation guidelines (Richards et al. 2015 PMID: 25741868, with internal and published modifications).

NM_018136.5(ASPM):c.5584A>G (p.Lys1862Glu)

Gene: ASPM (assembly factor for spindle microtubules; minus strand). Cytogenetic location: 1q31.3.
Variant type: single nucleotide variant.
Coding change: c.5584A>G on transcript NM_018136.5 (MANE Select); coding-DNA position 5584, A replaced by G.
Protein change: p.Lys1862Glu; replaces lysine 1862 with glutamic acid.
Molecular consequence: missense variant. On other transcripts: intron variant (1).
Genome position (GRCh38, 1-based): chr1:197,103,667, T>C on the plus strand (A>G on the coding strand, the complement: ASPM is on the minus strand). VCF-style: chr1-197103667-T-C. GRCh37 (hg19) VCF-style: chr1-197072797-T-C.
Other names: c.4066-7503A>G (NM_001206846.2); short protein forms K1862E.
Identifiers: ClinVar variation 595524 (VCV000595524.19), dbSNP rs527602809, ClinGen allele CA1309729.